The following is an entry in ClinVar:

ClinVar aggregate classification (germline): Uncertain significance (1 of 4 stars; one submission).

Submission:

GeneDx
Classification: Uncertain significance. Last evaluated: 2024-05-15. Review status: criteria provided, single submitter. Criteria: GeneDx Variant Classification Process June 2021. Collection method: clinical testing. Allele origin: germline. Affected: yes.
Comment: Not observed at significant frequency in large population cohorts (gnomAD); In silico analysis supports that this missense variant has a deleterious effect on protein structure/function; Has not been previously published as pathogenic or benign to our knowledge

NM_001366521.1(ATP2B1):c.733G>C (p.Gly245Arg)

Gene: ATP2B1 (ATPase plasma membrane Ca2+ transporting 1; minus strand). Cytogenetic location: 12q21.33.
Variant type: single nucleotide variant.
Coding change: c.733G>C on transcript NM_001366521.1 (MANE Select); coding-DNA position 733, G replaced by C.
Protein change: p.Gly245Arg; replaces glycine 245 with arginine.
Molecular consequence: missense variant. On other transcripts: non-coding transcript variant (3), intron variant (5).
Genome position (GRCh38, 1-based): chr12:89,634,832, C>G on the plus strand (G>C on the coding strand, the complement: ATP2B1 is on the minus strand). VCF-style: chr12-89634832-C-G. GRCh37 (hg19) VCF-style: chr12-90028609-C-G.
Other names: c.733G>C, p.Gly245Arg (NM_001001323.2, NM_001366520.1, NM_001366522.1 and 17 more transcripts); c.535G>C, p.Gly179Arg (NM_001366530.1, NM_001413053.1); c.478G>C, p.Gly160Arg (NM_001413056.1); c.280G>C, p.Gly94Arg (NM_001413057.1); c.406+7326G>C (NM_001413060.1, NM_001366531.1, NM_001413058.1 and 2 more transcripts); short protein forms G160R, G179R, G245R, G94R.
Identifiers: ClinVar variation 3377910 (VCV003377910.1).